The following is an entry in ClinVar:

ClinVar aggregate classification (germline): Uncertain significance (1 of 4 stars; one submission).

Submission:

Ambry Genetics
Classification: Uncertain significance. Last evaluated: 2026-07-31. Review status: criteria provided, single submitter. Criteria: Ambry Variant Classification Scheme 2023. Collection method: clinical testing. Allele origin: germline.
Comment: The c.2276delC variant, located in coding exon 15 of the RINT1 gene, results from a deletion of one nucleotide at nucleotide position 2276, causing a translational frameshift with a predicted alternate stop codon (p.P759Lfs*6). This variant occurs at the 3' terminus of the gene and is not expected to trigger nonsense-mediated mRNA decay. The evidence for this gene-disease relationship is limited; therefore, the clinical significance of this variant is unclear.

NM_021930.6(RINT1):c.2276del (p.Pro759fs)

Genes: EFCAB10 (EF-hand calcium binding domain 10; minus strand), RINT1 (RAD50 interactor 1; plus strand). Cytogenetic location: 7q22.3.
Variant type: Deletion.
Coding change: c.2276del on transcript NM_021930.6 (MANE Select); coding-DNA position 2276, one base deleted (C; older notation c.2276delC).
Protein change: p.Pro759fs; shifts the reading frame from proline 759.
Molecular consequence: frameshift variant. On other transcripts: non-coding transcript variant (1), intron variant (3), 3 prime UTR variant (2).
Genome position (GRCh38, 1-based): chr7:105,567,208, C deleted; the last of 2 consecutive C bases (chr7:105,567,207-105,567,208); deleting either gives the same sequence. VCF-style (leftmost placement, unchanged base first): chr7-105567206-TC-T. GRCh37 (hg19) VCF-style: chr7-105207653-TC-T.
Other names: c.1253del, p.Pro418fs (NM_001346603.2, NM_001346600.2); c.360-1760del (NM_001355531.2); c.383+260del (NM_001355526.2, NM_001355530.2); c.*247del (NM_001355527.2, NM_001355529.2); c.2042del, p.Pro681fs (NM_001346599.2); c.1352del, p.Pro451fs (NM_001346601.2); short protein forms P451fs, P759fs, P418fs, P681fs.
Identifiers: ClinVar variation 3433566 (VCV003433566.2).